The following is an entry in ClinVar:

NM_000334.4(SCN4A):c.2711C>G (p.Pro904Arg)

Genes: GH-LCR (growth hormone locus control region; plus strand), SCN4A (sodium voltage-gated channel alpha subunit 4; minus strand). Cytogenetic location: 17q23.3.
Variant type: single nucleotide variant.
Coding change: c.2711C>G on transcript NM_000334.4 (MANE Select); coding-DNA position 2711, C replaced by G.
Protein change: p.Pro904Arg; replaces proline 904 with arginine.
Molecular consequence: missense variant.
Genome position (GRCh38, 1-based): chr17:63,951,566, G>C on the plus strand (C>G on the coding strand, the complement: SCN4A is on the minus strand). VCF-style: chr17-63951566-G-C. GRCh37 (hg19) VCF-style: chr17-62028926-G-C.
Other names: short protein forms P904R.
Identifiers: ClinVar variation 571341 (VCV000571341.15), dbSNP rs867372759, ClinGen allele CA400625531.
Genomic context (GRCh38, chr17:63,951,566, plus strand): 5'-ACCTGTATGGTCAGGTAGGGGTTGTTGATGAAGTTAAGGTGGTCCAGCTCGAGGCTGGAT[G>C]GGGGGCCGTCAGCCAGGCCCATGTGGTTCAGGATGTGATTGTCCTTCTTCAGGTCCTCCT-3'
Protein context (NP_000325.4, residues 894-914): LNHMGLADGP[Pro904Arg]SSLELDHLNF

ClinVar aggregate classification (germline): Uncertain significance. Review status: criteria provided, multiple submitters, no conflicts (2 of 4 stars). 4 submissions from 4 submitters: Uncertain significance (4). Last evaluated 2026-01-09.

Conditions:
Inborn genetic diseases. Identifiers: MedGen C0950123, MeSH D030342.
Hyperkalemic periodic paralysis. Also called: Gamstorp disease; Familial hyperkalemic periodic paralysis. Identifiers: Orphanet 682, MedGen C0238357, MONDO:0008224, OMIM 170500, HP:0007215.

Allele frequency attached by ClinVar (database versions not stated): gnomAD exomes 0.00001; gnomAD 0.00003; TOPMed 0.00004.
gnomAD v4.1: 42 of 1,613,764 alleles (0.0026%); highest among the groups gnomAD compares: African/African-American, 0.004%; no homozygotes.

Submissions (4):

Labcorp Genetics (formerly Invitae), Labcorp
Classification: Uncertain significance for Hyperkalemic periodic paralysis. Last evaluated: 2026-01-09. Review status: criteria provided, single submitter. Criteria: Invitae Variant Classification Sherloc (09022015). Collection method: clinical testing. Allele origin: germline.
Comment: This sequence change replaces proline, which is neutral and non-polar, with arginine, which is basic and polar, at codon 904 of the SCN4A protein (p.Pro904Arg). This variant is present in population databases (no rsID available, gnomAD 0.002%). This variant has not been reported in the literature in individuals affected with SCN4A-related conditions. ClinVar contains an entry for this variant (Variation ID: 571341). Invitae Evidence Modeling of protein sequence and biophysical properties (such as structural, functional, and spatial information, amino acid conservation, physicochemical variation, residue mobility, and thermodynamic stability) indicates that this missense variant is not expected to disrupt SCN4A protein function with a negative predictive value of 95%. In summary, the available evidence is currently insufficient to determine the role of this variant in disease. Therefore, it has been classified as a Variant of Uncertain Significance.

GeneDx
Classification: Uncertain significance. Last evaluated: 2025-11-26. Review status: criteria provided, single submitter. Criteria: GeneDx Variant Classification Process June 2021. Collection method: clinical testing. Allele origin: germline.
Comment: Not observed at significant frequency in large population cohorts (gnomAD); In silico analysis suggests that this missense variant does not alter protein structure/function; Has not been previously published as pathogenic or benign to our knowledge

Ambry Genetics
Classification: Uncertain significance for Inborn genetic diseases. Last evaluated: 2025-08-08. Review status: criteria provided, single submitter. Criteria: Ambry Variant Classification Scheme 2023. Collection method: clinical testing. Allele origin: germline.

Revvity Omics, Revvity
Classification: Uncertain significance. Last evaluated: 2019-08-30. Review status: criteria provided, single submitter. Criteria: ACMG Guidelines, 2015. Collection method: clinical testing. Allele origin: germline.